The following is an entry in ClinVar:

NM_001040142.2(SCN2A):c.260A>G (p.Asn87Ser)

Gene: SCN2A (sodium voltage-gated channel alpha subunit 2; plus strand). Cytogenetic location: 2q24.3.
Variant type: single nucleotide variant.
Coding change: c.260A>G on transcript NM_001040142.2 (MANE Select); coding-DNA position 260, A replaced by G.
Protein change: p.Asn87Ser; replaces asparagine 87 with serine.
Molecular consequence: missense variant.
Genome position (GRCh38, 1-based): chr2:165,296,083, A>G. VCF-style: chr2-165296083-A-G. GRCh37 (hg19) VCF-style: chr2-166152593-A-G.
Other names: c.260A>G, p.Asn87Ser (NM_001040143.2, NM_001371246.1, NM_001371247.1 and 1 more transcripts); short protein forms N87S.
Identifiers: ClinVar variation 1194685 (VCV001194685.11), dbSNP rs2106149436, ClinGen allele CA349010992.

ClinVar aggregate classification (germline): Uncertain significance. Review status: criteria provided, multiple submitters, no conflicts (2 of 4 stars). 2 submissions from 2 submitters: Uncertain significance (2). Last evaluated 2024-11-14.

Conditions:
Developmental and epileptic encephalopathy, 11 (DEE11). Also called: Early infantile epileptic encephalopathy 11. Identifiers: Orphanet 1934, MedGen C3150987, MONDO:0013388, OMIM 613721.
Seizures, benign familial infantile, 3 (BFIS3). Also called: Familial neonatal seizures; CONVULSIONS, BENIGN FAMILIAL INFANTILE, 3. Identifiers: Orphanet 140927, Orphanet 306, MedGen C1843140, MONDO:0011904, OMIM 607745.

Allele frequency attached by ClinVar (database versions not stated): gnomAD exomes below 0.00001.
gnomAD v4.1: 1 of 1,613,192 alleles (0.000062%); highest among the groups gnomAD compares: Non-Finnish European, 0.000085%; no homozygotes.

Submissions (2):

GeneDx
Classification: Uncertain significance. Last evaluated: 2024-11-14. Review status: criteria provided, single submitter. Criteria: GeneDx Variant Classification Process June 2021. Collection method: clinical testing. Allele origin: germline. Affected: yes.
Comment: Not observed at significant frequency in large population cohorts (gnomAD); In silico analysis supports that this missense variant has a deleterious effect on protein structure/function; Has not been previously published as pathogenic or benign to our knowledge; In silico analysis supports a deleterious effect on splicing; This substitution is predicted to be within the N-terminal cytoplasmic domain

Labcorp Genetics (formerly Invitae), Labcorp
Classification: Uncertain significance for Seizures, benign familial infantile, 3; Developmental and epileptic encephalopathy, 11. Last evaluated: 2021-04-06. Review status: criteria provided, single submitter. Criteria: Invitae Variant Classification Sherloc (09022015). Collection method: clinical testing. Allele origin: germline.
Comment: Algorithms developed to predict the effect of sequence changes on RNA splicing suggest that this variant may create or strengthen a splice site, but this prediction has not been confirmed by published transcriptional studies. In summary, the available evidence is currently insufficient to determine the role of this variant in disease. Therefore, it has been classified as a Variant of Uncertain Significance. Algorithms developed to predict the effect of missense changes on protein structure and function are either unavailable or do not agree on the potential impact of this missense change (SIFT: "Deleterious"; PolyPhen-2: "Benign"; Align-GVGD: "Class C0"). This sequence change replaces asparagine with serine at codon 87 of the SCN2A protein (p.Asn87Ser). The asparagine residue is highly conserved and there is a small physicochemical difference between asparagine and serine. This variant is not present in population databases (ExAC no frequency). This variant has not been reported in the literature in individuals with SCN2A-related conditions.